The following is an entry in ClinVar:

NM_015662.3(IFT172):c.2935C>G (p.Gln979Glu)

Gene: IFT172 (intraflagellar transport 172; minus strand). Cytogenetic location: 2p23.3.
Variant type: single nucleotide variant.
Coding change: c.2935C>G on transcript NM_015662.3 (MANE Select); coding-DNA position 2935, C replaced by G.
Protein change: p.Gln979Glu; replaces glutamine 979 with glutamic acid.
Molecular consequence: missense variant.
Genome position (GRCh38, 1-based): chr2:27,458,166, G>C on the plus strand (C>G on the coding strand, the complement: IFT172 is on the minus strand). VCF-style: chr2-27458166-G-C. GRCh37 (hg19) VCF-style: chr2-27681033-G-C.
Other names: c.2869C>G, p.Gln957Glu (NM_001410739.1); short protein forms Q979E, Q957E.
Identifiers: ClinVar variation 4986424 (VCV004986424.1).

ClinVar aggregate classification (germline): Uncertain significance (1 of 4 stars; one submission).

Conditions:
IFT172-related disorder. Also called: IFT172-related condition; IFT172-related disorders.

gnomAD v4.1: 1 of 1,614,150 alleles (0.000062%); highest among the groups gnomAD compares: Admixed American, 0.0017%; no homozygotes.

Submission:

PreventionGenetics, part of Exact Sciences
Classification: Uncertain significance for IFT172-related condition. Last evaluated: 2025-12-29. Review status: criteria provided, single submitter. Criteria: ACMG Guidelines, 2015. Collection method: clinical testing. Allele origin: germline.
Comment: The IFT172 c.2935C>G variant is predicted to result in the amino acid substitution p.Gln979Glu. To our knowledge, this variant has not been reported in the literature or in a large population database (gnomAD), indicating this variant is rare. At this time, the clinical significance of this variant is uncertain due to the absence of conclusive functional and genetic evidence.